The following is an entry in ClinVar:

ClinVar aggregate classification (germline): Pathogenic (1 of 4 stars; one submission).

Conditions:
Hereditary cancer-predisposing syndrome. Also called: Hereditary Cancer Syndrome; Hereditary neoplastic syndrome; Neoplastic Syndromes, Hereditary; Tumor predisposition. Identifiers: Orphanet 140162, MedGen C0027672, MeSH D009386, MONDO:0015356.

Submission:

Ambry Genetics
Classification: Pathogenic for Hereditary cancer-predisposing syndrome. Last evaluated: 2025-07-14. Review status: criteria provided, single submitter. Criteria: Ambry Variant Classification Scheme 2023. Collection method: clinical testing. Allele origin: germline.
Comment: The c.203_210delAACCATCTinsTACC pathogenic mutation, located in coding exon 2 of the BRCA2 gene, results from the deletion of 8 nucleotides and insertion of 4 nucleotides causing a translational frameshift with a predicted alternate stop codon (p.K68Ifs*11). This variant is considered to be rare based on population cohorts in the Genome Aggregation Database (gnomAD). This alteration is expected to result in loss of function by premature protein truncation or nonsense-mediated mRNA decay. As such, this alteration is interpreted as a disease-causing mutation.

NM_000059.4(BRCA2):c.203_210delinsTACC (p.Lys68fs)

Gene: BRCA2 (BRCA2 DNA repair associated; plus strand). Cytogenetic location: 13q13.1.
Variant type: Indel.
Coding change: c.203_210delinsTACC on transcript NM_000059.4 (MANE Select); coding-DNA positions 203 to 210, AACCATCT replaced by TACC.
Protein change: p.Lys68fs; shifts the reading frame from lysine 68.
Molecular consequence: frameshift variant. On other transcripts: 5 prime UTR variant (1), non-coding transcript variant (1).
Genome position (GRCh38, 1-based): chr13:32,319,212-32,319,219, AACCATCT replaced by TACC. VCF-style: chr13-32319212-AACCATCT-TACC. GRCh37 (hg19) VCF-style: chr13-32893349-AACCATCT-TACC.
Other names: c.203_210delinsTACC, p.Lys68fs (NM_001406719.1, NM_001406720.1, NM_001406721.1 and 1 more transcripts); c.-167_-160delinsTACC (NM_001406722.1); short protein forms K68fs.
Identifiers: ClinVar variation 4215858 (VCV004215858.1).
Genomic context (GRCh38, chr13:32,319,212, plus strand): 5'-AAGAATCTGAACATAAAAACAACAATTACGAACCAAACCTATTTAAAACTCCACAAAGGA[AACCATCT>TACC]TATAATCAGCTGGCTTCAACTCCAATAATATTCAAAGAGCAAGGGCTGACTCTGCCGCTG-3'